The following is an entry in ClinVar:

NM_005708.5(GPC6):c.613C>T (p.Arg205Trp)

Genes: GPC6 (glypican 6; plus strand), GPC6-AS2 (GPC6 antisense RNA 2; minus strand). Cytogenetic location: 13q31.3.
Variant type: single nucleotide variant.
Coding change: c.613C>T on transcript NM_005708.5 (MANE Select); coding-DNA position 613, C replaced by T.
Protein change: p.Arg205Trp; replaces arginine 205 with tryptophan.
Molecular consequence: missense variant.
Genome position (GRCh38, 1-based): chr13:93,830,447, C>T. VCF-style: chr13-93830447-C-T. GRCh37 (hg19) VCF-style: chr13-94482700-C-T.
Other names: short protein forms R205W.
Identifiers: ClinVar variation 1471738 (VCV001471738.8), dbSNP rs201761005, ClinGen allele CA7016894.
Genomic context (GRCh38, chr13:93,830,447, plus strand): 5'-GACTACCTGGAATGTGTGAGCAAATACACTGACCAGCTCAAGCCATTTGGAGACGTGCCC[C>T]GGAAACTGAAGATTCAGGTTACCCGCGCCTTCATTGCTGCCAGGACCTTTGTCCAGGGGC-3'
Protein context (NP_005699.1, residues 195-215): DQLKPFGDVP[Arg205Trp]KLKIQVTRAF

ClinVar aggregate classification (germline): Uncertain significance (1 of 4 stars; one submission).

Allele frequency attached by ClinVar (database versions not stated): gnomAD exomes below 0.00001; ExAC 0.00001.
gnomAD v4.1: 7 of 1,613,634 alleles (0.00043%); highest among the groups gnomAD compares: Middle Eastern, 0.016%; no homozygotes.

Submission:

Labcorp Genetics (formerly Invitae), Labcorp
Classification: Uncertain significance. Last evaluated: 2021-05-09. Review status: criteria provided, single submitter. Criteria: Invitae Variant Classification Sherloc (09022015). Collection method: clinical testing. Allele origin: germline.
Comment: This variant is present in population databases (rs201761005, ExAC 0.001%). This sequence change replaces arginine with tryptophan at codon 205 of the GPC6 protein (p.Arg205Trp). The arginine residue is weakly conserved and there is a moderate physicochemical difference between arginine and tryptophan. This variant has not been reported in the literature in individuals with GPC6-related conditions. Algorithms developed to predict the effect of missense changes on protein structure and function are either unavailable or do not agree on the potential impact of this missense change (SIFT: "Deleterious"; PolyPhen-2: "Probably Damaging"; Align-GVGD: "Class C0"). In summary, the available evidence is currently insufficient to determine the role of this variant in disease. Therefore, it has been classified as a Variant of Uncertain Significance.